The following is an entry in ClinVar:

ClinVar aggregate classification (germline): Benign. Review status: criteria provided, multiple submitters, no conflicts (2 of 4 stars). 2 submissions from 2 submitters: Benign (2). Last evaluated 2019-01-10.

Allele frequency attached by ClinVar (database versions not stated): 1000 Genomes Project 30x 0.25203; 1000 Genomes Project 0.25479; ESP Exome Variant Server 0.30094; TOPMed 0.30761; gnomAD 0.31377 and 0.31601; ExAC 0.33594; gnomAD exomes 0.34511 and 0.35727.

Submissions (2):

GeneDx
Classification: Benign. Last evaluated: 2019-01-10. Review status: criteria provided, single submitter. Criteria: GeneDx Variant Classification Process June 2021. Collection method: clinical testing. Allele origin: germline. Affected: yes.
Comment: This variant is associated with the following publications: (PMID: 28728263)

Breakthrough Genomics
Classification: Benign. Review status: criteria provided, single submitter. Criteria: ACMG Guidelines, 2015. Collection method: not provided. Allele origin: germline. Inheritance: Unknown mechanism. Affected: yes.

NM_020997.4(LEFTY1):c.965A>C (p.Asp322Ala)

Gene: LEFTY1 (left-right determination factor 1; minus strand). Cytogenetic location: 1q42.12.
Variant type: single nucleotide variant.
Coding change: c.965A>C on transcript NM_020997.4 (MANE Select); coding-DNA position 965, A replaced by C.
Protein change: p.Asp322Ala; replaces aspartic acid 322 with alanine.
Molecular consequence: missense variant.
Genome position (GRCh38, 1-based): chr1:225,886,863, T>G on the plus strand (A>C on the coding strand, the complement: LEFTY1 is on the minus strand). VCF-style: chr1-225886863-T-G. GRCh37 (hg19) VCF-style: chr1-226074563-T-G.
Other names: short protein forms D322A.
Identifiers: ClinVar variation 1248973 (VCV001248973.3), dbSNP rs360057, ClinGen allele CA1419774.